The following is an entry in ClinVar:

NM_000038.6(APC):c.5936_5939del (p.Asn1979fs)

Gene: APC (APC regulator of Wnt signaling pathway; plus strand). Cytogenetic location: 5q22.2.
Variant type: Deletion.
Coding change: c.5936_5939del on transcript NM_000038.6 (MANE Select); coding-DNA positions 5936 to 5939, 4 bases deleted (ACAA; older notation c.5936_5939delACAA).
Protein change: p.Asn1979fs; shifts the reading frame from asparagine 1979.
Molecular consequence: frameshift variant.
Genome position (GRCh38, 1-based): chr5:112,841,530-112,841,533, ACAA deleted; deleting any 4 consecutive bases within chr5:112,841,528-112,841,533 gives the same sequence; the c. name uses the placement nearest the transcript's 3' end. VCF-style (leftmost placement, unchanged base first): chr5-112841527-AAAAC-A. GRCh37 (hg19) VCF-style: chr5-112177224-AAAAC-A.
Other names: c.5936_5939del, p.Asn1979fs (NM_001127510.3, NM_001354895.2); c.5882_5885del, p.Asn1961fs (NM_001127511.3); c.5990_5993del, p.Asn1997fs (NM_001354896.2); c.5966_5969del, p.Asn1989fs (NM_001354897.2); c.5861_5864del, p.Asn1954fs (NM_001354898.2); c.5852_5855del, p.Asn1951fs (NM_001354899.2); c.5813_5816del, p.Asn1938fs (NM_001354900.2); c.5759_5762del, p.Asn1920fs (NM_001354901.2); and 6 more; short protein forms N1696fs, N1819fs, N1888fs, N1951fs, N1989fs, N1878fs, N1938fs, N1979fs.
Identifiers: ClinVar variation 140863 (VCV000140863.28), dbSNP rs587781330, ClinGen allele CA010795.
Genomic context (GRCh38, chr5:112,841,527, plus strand): 5'-ATACTCCGGTTTGCTTTTCTCATAATTCCTCTCTGAGTTCTCTCAGTGACATTGACCAAG[AAAAC>A]AACAATAAAGAAAATGAACCTATCAAAGAGACTGAGCCCCCTGACTCACAGGGAGAACCA-3'

ClinVar aggregate classification (germline): Pathogenic. Review status: criteria provided, multiple submitters, no conflicts (2 of 4 stars). 8 submissions from 8 submitters: Pathogenic (6). 2 of the submissions do not count toward it. Last evaluated 2026-01-26.

Conditions:
APC-related disorder. Also called: APC-related condition.
Hereditary cancer-predisposing syndrome. Also called: Neoplastic Syndromes, Hereditary; Tumor predisposition; Hereditary Cancer Syndrome; Hereditary neoplastic syndrome. Identifiers: Orphanet 140162, MedGen C0027672, MeSH D009386, MONDO:0015356.
Familial adenomatous polyposis 1 (FAP1). Also called: FAMILIAL ADENOMATOUS POLYPOSIS 1, ATTENUATED; POLYPOSIS, ADENOMATOUS INTESTINAL. Identifiers: MedGen C2713442, MONDO:0021056, OMIM 175100. Disease mechanism: loss of function.
Familial multiple polyposis syndrome (FAP). Also called: Familial adenomatous polyposis; Familial intestinal polyposis; Familial Adenomatous Polyposis (FAP); Familial polyposis; Classic familial adenomatous polyposis. Identifiers: Orphanet 733, MedGen C0032580, MONDO:0021055. Disease mechanism: loss of function.

Submissions (8):

Labcorp Genetics (formerly Invitae), Labcorp
Classification: Pathogenic for Familial adenomatous polyposis 1. Last evaluated: 2026-01-26. Review status: criteria provided, single submitter. Criteria: Invitae Variant Classification Sherloc (09022015). Collection method: clinical testing. Allele origin: germline.
Comment: This sequence change creates a premature translational stop signal (p.Asn1979Thrfs*64) in the APC gene. While this is not anticipated to result in nonsense mediated decay, it is expected to disrupt the last 865 amino acid(s) of the APC protein. This variant is not present in population databases (gnomAD no frequency). This premature translational stop signal has been observed in individual(s) with clinical features of APC-related conditions (PMID: 9824584, 20434453, 26681312). It has also been observed to segregate with disease in related individuals. ClinVar contains an entry for this variant (Variation ID: 140863). This variant disrupts a region of the APC protein in which other variant(s) (p.Tyr2645Lysfs*14) have been determined to be pathogenic (PMID: 1316610, 8381579, 9824584, 22135120, 27081525; internal data). This suggests that this is a clinically significant region of the protein, and that variants that disrupt it are likely to be disease-causing. For these reasons, this variant has been classified as Pathogenic.

Baylor Genetics
Classification: Pathogenic for Familial adenomatous polyposis 1. Last evaluated: 2024-03-21. Review status: criteria provided, single submitter. Criteria: ACMG Guidelines, 2015. Collection method: clinical testing. Allele origin: unknown.

Myriad Genetics, Inc.
Classification: Pathogenic for Familial adenomatous polyposis 1. Last evaluated: 2023-05-15. Review status: criteria provided, single submitter. Criteria: Myriad Autosomal Dominant, Autosomal Recessive and X-Linked Classification Criteria (2023). Collection method: clinical testing. Allele origin: unknown.
Comment: This variant is considered pathogenic. This variant creates a frameshift predicted to result in premature protein truncation.

GeneDx
Classification: Pathogenic. Last evaluated: 2022-07-12. Review status: criteria provided, single submitter. Criteria: GeneDx Variant Classification Process June 2021. Collection method: clinical testing. Allele origin: germline. Affected: yes.
Comment: Frameshift variant predicted to result in protein truncation in a gene for which loss of function is a known mechanism of disease; Not observed at significant frequency in large population cohorts (gnomAD); This variant is associated with the following publications: (PMID: 26681312, 24763289, 23159591, 31447099, 20434453, 17088437, 9824584, 1316610, 27081525, 22135120, 8381579)

Laboratory for Molecular Medicine, Mass General Brigham Personalized Medicine
Classification: Pathogenic for Familial multiple polyposis syndrome. Last evaluated: 2018-04-06. Review status: criteria provided, single submitter. Criteria: LMM Criteria. Collection method: clinical testing. Allele origin: germline. Inheritance: Autosomal dominant inheritance. Observed: 2 variant alleles.
Comment: The p.Asn1979fs variant in APC has been reported in at least 5 individuals with attenuated familial adenomatous polyposis (AFAP; Brensinger 1998, Castellsague 2 010), 5 that have been referred for APC clinical testing (Kerr 2013), and 1 ind ividual with a personal history of colonic polyps (Susswein 2015). The variant s egregated with AFAP in at least 5 affected relatives from 1 family (Brensinger 1 998). This variant has also been reported by other clinical laboratories in Clin Var (Variation ID: 140863) and was absent from large population studies, though the ability of these studies to accurately detect indels may be limited. This va riant is predicted to cause a frameshift, which alters the protein?s amino acid sequence beginning at position 1979 and leads to a premature termination codon 6 4 amino acids downstream. This termination codon occurs within the last exon and is more likely to escape nonsense mediated decay (NMD) and result in a truncate d protein. An in vitro protein assay from patient RNA confirmed that this varian t leads to a truncated protein (Brensinger 1998). Truncating variants in the las t exon of APC have been reported in individuals with FAP. In summary, this vari ant meets criteria to be classified as pathogenic for APC-associated polyposis c onditions in an autosomal dominant manner based upon presence in multiple affect ed individuals, segregation studies, absence from the general population, and th e predicted impact on protein. ACMG/AMP Criteria applied (Richards 2015): PS4; P P1_Moderate; PM2; PM4.

Ambry Genetics
Classification: Pathogenic for Hereditary cancer-predisposing syndrome. Last evaluated: 2012-12-19. Review status: criteria provided, single submitter. Criteria: Ambry Autosomal Dominant and X-Linked criteria (10/2015). Collection method: clinical testing. Allele origin: germline. Observed: 1 variant allele.
Comment: This alteration occurs at the 3' terminus of theâ€¯APC gene and is not expected to trigger nonsense-mediated mRNA decay. However, premature stop codons are typically deleterious in nature, the impacted region is critical for protein function, and a significant portion of the protein is affected (Ambry internal data). Based on the supporting evidence, this alteration is interpreted as a disease-causing mutation.

PreventionGenetics, part of Exact Sciences
Classification: Pathogenic for APC-related condition. Last evaluated: 2024-02-01. Review status: no assertion criteria provided. Collection method: clinical testing. Allele origin: germline. Not counted in ClinVar's aggregate classification.
Comment: The APC c.5936_5939delACAA variant is predicted to result in a frameshift and premature protein termination (p.Asn1979Thrfs*64). This variant has been reported in multiple individuals with APC-related diseases (Susswein et al 2015. PubMed ID: 26681312. Table S1; Brensinger et al. 1998. PubMed ID: 9824584; Castellsagué et al. 2010. PubMed ID: 20434453). This variant is not present in a large population database and has been interpreted as pathogenic in the ClinVar database. Frameshift variants in APC are expected to be pathogenic. This variant is interpreted as pathogenic.

Mayo Clinic Laboratories, Mayo Clinic
Classification: Pathogenic. Review status: no assertion criteria provided. Collection method: clinical testing. Allele origin: unknown. Not counted in ClinVar's aggregate classification.

Literature cited by the submitters: PubMed 9824584 (cited by Labcorp Genetics (formerly Invitae), Labcorp and Laboratory for Molecular Medicine, Mass General Brigham Personalized Medicine); PubMed 20434453 (cited by Labcorp Genetics (formerly Invitae), Labcorp and Laboratory for Molecular Medicine, Mass General Brigham Personalized Medicine); PubMed 26681312 (cited by Labcorp Genetics (formerly Invitae), Labcorp and Laboratory for Molecular Medicine, Mass General Brigham Personalized Medicine); PubMed 1316610 (cited by Labcorp Genetics (formerly Invitae), Labcorp); PubMed 8381579 (cited by Labcorp Genetics (formerly Invitae), Labcorp); PubMed 22135120 (cited by Labcorp Genetics (formerly Invitae), Labcorp); PubMed 27081525 (cited by Labcorp Genetics (formerly Invitae), Labcorp); PubMed 23159591 (cited by Laboratory for Molecular Medicine, Mass General Brigham Personalized Medicine).